The following is an entry in ClinVar:

ClinVar aggregate classification (germline): Uncertain significance. Review status: criteria provided, multiple submitters, no conflicts (2 of 4 stars). 2 submissions from 2 submitters: Uncertain significance (2). Last evaluated 2025-07-02.

Conditions:
Breast-ovarian cancer, familial, susceptibility to, 1 (BROVCA1). Also called: BRCA1 Hereditary Breast and Ovarian Cancer; OVARIAN CANCER, SUSCEPTIBILITY TO. Identifiers: Orphanet 145, MedGen C2676676, MONDO:0011450, OMIM 604370. Disease mechanism: loss of function.
Hereditary cancer-predisposing syndrome. Also called: Hereditary Cancer Syndrome; Hereditary neoplastic syndrome; Neoplastic Syndromes, Hereditary; Tumor predisposition. Identifiers: Orphanet 140162, MedGen C0027672, MeSH D009386, MONDO:0015356.

Allele frequency attached by ClinVar (database versions not stated): gnomAD exomes below 0.00001.
gnomAD v4.1: 2 of 1,613,738 alleles (0.00012%); highest among the groups gnomAD compares: Non-Finnish European, 0.00017%; no homozygotes.

Submissions (2):

Color Diagnostics, LLC DBA Color Health
Classification: Uncertain significance for Hereditary cancer-predisposing syndrome. Last evaluated: 2025-07-02. Review status: criteria provided, single submitter. Criteria: ACMG Guidelines, 2015. Collection method: clinical testing. Allele origin: germline.
Comment: This missense variant replaces threonine with alanine at codon 926 of the BRCA1 protein. Computational prediction suggests that this variant may not impact protein structure and function. To our knowledge, functional studies have not been reported for this variant. This variant has not been reported in individuals affected with BRCA1-related disorders in the literature. This variant has not been identified in the general population by the Genome Aggregation Database (gnomAD). The available evidence is insufficient to determine the role of this variant in disease conclusively. Therefore, this variant is classified as a Variant of Uncertain Significance.

St. Jude Molecular Pathology, St. Jude Children's Research Hospital
Classification: Uncertain significance for Breast-ovarian cancer, familial, susceptibility to, 1. Last evaluated: 2023-11-06. Review status: criteria provided, single submitter. Criteria: St. Jude Assertion Criteria 2020. Collection method: clinical testing. Allele origin: germline.
Comment: The BRCA1 c.2776A>G (p.Thr926Ala) missense change is absent in gnomAD v2.1.1. The in silico tool REVEL is inconclusive about a pathogenic or benign effect of this variant on protein function, and to our knowledge functional studies have not been performed. This variant is absent in the FLOSSIES database which contains genetic variants from women older than 70 years of age who have never had cancer. To our knowledge, this variant has not been reported in the literature in individuals with hereditary breast and ovarian cancer or Fanconi anemia. In summary, the evidence currently available is insufficient to determine the clinical significance of this variant. It has therefore been classified as of uncertain significance.?

NM_007294.4(BRCA1):c.2776A>G (p.Thr926Ala)

Gene: BRCA1 (BRCA1 DNA repair associated; minus strand). Cytogenetic location: 17q21.31.
Variant type: single nucleotide variant.
Coding change: c.2776A>G on transcript NM_007294.4 (MANE Select); coding-DNA position 2776, A replaced by G.
Protein change: p.Thr926Ala; replaces threonine 926 with alanine.
Molecular consequence: missense variant. On other transcripts: intron variant (137).
Genome position (GRCh38, 1-based): chr17:43,092,755, T>C on the plus strand (A>G on the coding strand, the complement: BRCA1 is on the minus strand). VCF-style: chr17-43092755-T-C. GRCh37 (hg19) VCF-style: chr17-41244772-T-C.
Other names: c.2653A>G, p.Thr885Ala (NM_001407668.1, NM_001407669.1, NM_001407674.1 and 19 more transcripts); c.2650A>G, p.Thr884Ala (NM_001407670.1, NM_001407671.1, NM_001407672.1 and 11 more transcripts); c.2563A>G, p.Thr855Ala (NM_001407571.1, NM_001407894.1, NM_001407895.1 and 9 more transcripts); c.2776A>G, p.Thr926Ala (NM_001407581.1, NM_001407582.1, NM_001407583.1 and 30 more transcripts); c.2773A>G, p.Thr925Ala (NM_001407587.1, NM_001407590.1, NM_001407591.1 and 22 more transcripts); c.2767A>G, p.Thr923Ala (NM_001407647.1, NM_001407646.1); c.2698A>G, p.Thr900Ala (NM_001407653.1, NM_001407654.1, NM_001407655.1 and 4 more transcripts); c.2635A>G, p.Thr879Ala (NM_001407692.1, NM_001407694.1, NM_001407695.1 and 29 more transcripts); and 41 more; short protein forms T630A, T758A, T798A, T799A, T814A, T815A, T837A, T838A.
Identifiers: ClinVar variation 2663975 (VCV002663975.2), dbSNP rs2154360041, ClinGen allele CA10596441.